The following is an entry in ClinVar:

NM_130837.3(OPA1):c.2734C>T (p.Arg912Ter)

Gene: OPA1 (OPA1 mitochondrial dynamin like GTPase; plus strand). Cytogenetic location: 3q29.
Variant type: single nucleotide variant.
Coding change: c.2734C>T on transcript NM_130837.3 (MANE Select); coding-DNA position 2734, C replaced by T.
Protein change: p.Arg912Ter; replaces arginine 912 with a stop codon.
Molecular consequence: nonsense.
Genome position (GRCh38, 1-based): chr3:193,664,952, C>T. VCF-style: chr3-193664952-C-T. GRCh37 (hg19) VCF-style: chr3-193382741-C-T.
Other names: c.2200C>T, p.Arg734Ter (NM_001354663.2); c.2197C>T, p.Arg733Ter (NM_001354664.2); c.2569C>T, p.Arg857Ter (NM_015560.3); c.2461C>T, p.Arg821Ter (NM_130831.3); c.2515C>T, p.Arg839Ter (NM_130832.3); c.2572C>T, p.Arg858Ter (NM_130833.3); c.2623C>T, p.Arg875Ter (NM_130834.3); c.2626C>T, p.Arg876Ter (NM_130835.3); and 1 more; short protein forms R857*, R912*, R821*, R839*, R733*, R876*, R858*, R875*.
Identifiers: ClinVar variation 195896 (VCV000195896.58), dbSNP rs794727405, ClinGen allele CA275129.

ClinVar aggregate classification (germline): Pathogenic. Review status: criteria provided, multiple submitters, no conflicts (2 of 4 stars). 8 submissions from 8 submitters: Pathogenic (8). Last evaluated 2026-07-22.

Conditions:
Autosomal dominant optic atrophy classic form (OPA1). Also called: Optic Atrophy Type 1; OPTIC ATROPHY, JUVENILE; KJER-TYPE OPTIC ATROPHY. Identifiers: Orphanet 98673, MedGen C0338508, MONDO:0008134, OMIM 165500.
Mitochondrial DNA depletion syndrome 14B (cardioencephalomyopathic type). Also called: Mitochondrial DNA depletion syndrome 14 (cardioencephalomyopathic type); Mitochondrial DNA depletion syndrome 14 (encephalocardiomyopathic type). Identifiers: MedGen C6065890, MONDO:0014820, OMIM 616896.
Abortive cerebellar ataxia (BEHRS). Also called: Behr syndrome; OPTIC ATROPHY, INFANTILE HEREDITARY, WITH NEUROLOGIC ABNORMALITIES. Identifiers: Orphanet 1239, MedGen C0221061, MONDO:0008858, OMIM 210000.
Optic atrophy with or without deafness, ophthalmoplegia, myopathy, ataxia, and neuropathy. Also called: OPTIC ATROPHY PLUS SYNDROME. Identifiers: MedGen C3276549, MONDO:0007429, OMIM 125250.
Glaucoma, normal tension, susceptibility to (NTG). Also called: GLAUCOMA, NORMAL PRESSURE, SUSCEPTIBILITY TO. Identifiers: MedGen C1847730, MONDO:0011693, OMIM 606657.
Optic neuropathy. Also called: Optic nerve disorder. Identifiers: MedGen C3887709, MONDO:0002135, HP:0001138.

Allele frequency attached by ClinVar (database versions not stated): gnomAD exomes below 0.00001.
gnomAD v4.1: 3 of 1,608,068 alleles (0.00019%); highest among the groups gnomAD compares: Non-Finnish European, 0.00026%; no homozygotes.

Submissions (8):

Genetics Laboratory, Great Ormond Street Hospital NHS Foundation Trust, North Thames Genomic Laboratory Hub
Classification: Pathogenic for Optic neuropathy. Last evaluated: 2026-07-22. Review status: criteria provided, single submitter. Criteria: ACGS Best Practice Guidelines for Variant Classification in Rare Disease 2024 v1.2. Collection method: clinical testing. Allele origin: germline. Affected: yes.
Comment: PS4_moderate, PM2_moderate, PVS1_very-strong

Labcorp Genetics (formerly Invitae), Labcorp
Classification: Pathogenic. Last evaluated: 2025-12-04. Review status: criteria provided, single submitter. Criteria: Invitae Variant Classification Sherloc (09022015). Collection method: clinical testing. Allele origin: germline.
Comment: This sequence change creates a premature translational stop signal (p.Arg857*) in the OPA1 gene. While this is not anticipated to result in nonsense mediated decay, it is expected to disrupt the last 104 amino acid(s) of the OPA1 protein. This variant is not present in population databases (gnomAD no frequency). This premature translational stop signal has been observed in individuals with dominant optic atrophy (PMID: 28926202, 34242285). ClinVar contains an entry for this variant (Variation ID: 195896). This variant disrupts a region of the OPA1 protein in which other variant(s) (p.Val903Glyfs*3) have been determined to be pathogenic (PMID: 11017079, 26385429). This suggests that this is a clinically significant region of the protein, and that variants that disrupt it are likely to be disease-causing. For these reasons, this variant has been classified as Pathogenic.

GeneDx
Classification: Pathogenic. Last evaluated: 2025-10-17. Review status: criteria provided, single submitter. Criteria: GeneDx Variant Classification Process June 2021. Collection method: clinical testing. Allele origin: germline. Affected: yes.
Comment: Nonsense variant predicted to result in protein truncation or nonsense mediated decay in a gene for which loss of function is a known mechanism of disease; Not observed at significant frequency in large population cohorts (gnomAD); This variant is associated with the following publications: (PMID: 25525159, 19319978, 28926202, 25794858, 25564500, 33884488, 34242285, 39423307)

3billion
Classification: Pathogenic for Abortive cerebellar ataxia. Last evaluated: 2024-08-06. Review status: criteria provided, single submitter. Criteria: ACMG Guidelines, 2015. Collection method: clinical testing. Allele origin: germline. Affected: yes.
Comment: The variant is observed at an extremely low frequency in the gnomAD v4.0.0 dataset (total allele frequency: <0.001%). Predicted Consequence/Location: Stop-gained (nonsense): predicted to result in a loss or disruption of normal protein function through nonsense-mediated decay (NMD) or protein truncation. Multiple pathogenic variants are reported downstream of the variant. The variant has been reported at least twice as pathogenic with clinical assertions and evidence for the classification (ClinVar ID: VCV000195896 /PMID: 19319978). Therefore, this variant is classified as Pathogenic according to the recommendation of ACMG/AMP guideline.

Fulgent Genetics
Classification: Pathogenic for Optic atrophy with or without deafness, ophthalmoplegia, myopathy, ataxia, and neuropathy; Autosomal dominant optic atrophy classic form; Abortive cerebellar ataxia; Glaucoma, normal tension, susceptibility to; Mitochondrial DNA depletion syndrome 14B (cardioencephalomyopathic type). Last evaluated: 2024-04-19. Review status: criteria provided, single submitter. Criteria: ACMG Guidelines, 2015. Collection method: clinical testing. Allele origin: germline.

Athena Diagnostics
Classification: Pathogenic. Last evaluated: 2021-04-12. Review status: criteria provided, single submitter. Criteria: Athena Diagnostics criteria. Collection method: clinical testing. Allele origin: unknown.
Comment: This variant is expected to result in the loss of a functional protein. This variant has not been reported in large, multi-ethnic general populations. This variant has been identified in at least one individual with clinical features associated with this gene.

CeGaT Center for Human Genetics Tuebingen
Classification: Pathogenic. Last evaluated: 2019-08-01. Review status: criteria provided, single submitter. Criteria: CeGaT Center For Human Genetics Tuebingen Variant Classification Criteria Version 2. Collection method: clinical testing. Allele origin: germline. Affected: yes. Observed: 5 variant alleles.

Eurofins Ntd Llc (ga)
Classification: Pathogenic. Last evaluated: 2014-06-02. Review status: criteria provided, single submitter. Criteria: EGL Classification Definitions 2015. Collection method: clinical testing. Allele origin: germline. Observed: 1 variant allele, 1 heterozygote.

Literature cited by the submitters: PubMed 28926202 (cited by Labcorp Genetics (formerly Invitae), Labcorp and Athena Diagnostics); PubMed 34242285 (cited by Labcorp Genetics (formerly Invitae), Labcorp); PubMed 11017079 (cited by Labcorp Genetics (formerly Invitae), Labcorp); PubMed 26385429 (cited by Labcorp Genetics (formerly Invitae), Labcorp); PubMed 19319978 (cited by 3 submitters).